The following is an entry in ClinVar:

NM_203446.3(SYNJ1):c.2713C>A (p.Pro905Thr)

Gene: SYNJ1 (synaptojanin 1; minus strand). Cytogenetic location: 21q22.11.
Variant type: single nucleotide variant.
Coding change: c.2713C>A on transcript NM_203446.3 (MANE Select); coding-DNA position 2713, C replaced by A.
Protein change: p.Pro905Thr; replaces proline 905 with threonine.
Molecular consequence: missense variant.
Genome position (GRCh38, 1-based): chr21:32,656,769, G>T on the plus strand (C>A on the coding strand, the complement: SYNJ1 is on the minus strand). VCF-style: chr21-32656769-G-T. GRCh37 (hg19) VCF-style: chr21-34029079-G-T.
Other names: c.2713C>A, p.Pro905Thr (NM_001160302.2); c.2698C>A, p.Pro900Thr (NM_001160306.2); c.2830C>A, p.Pro944Thr (NM_003895.4); short protein forms P900T, P905T, P944T.
Identifiers: ClinVar variation 1387926 (VCV001387926.4), dbSNP rs2040473157, ClinGen allele CA410073566.

ClinVar aggregate classification (germline): Uncertain significance. Review status: criteria provided, multiple submitters, no conflicts (2 of 4 stars). 2 submissions from 2 submitters: Uncertain significance (2). Last evaluated 2025-08-08.

Conditions:
Inborn genetic diseases. Identifiers: MedGen C0950123, MeSH D030342.
Developmental and epileptic encephalopathy, 53. Also called: Epileptic encephalopathy, early infantile, 53. Identifiers: MedGen C4479313, MONDO:0033362, OMIM 617389.
Early-onset Parkinson disease 20. Also called: PARKINSON DISEASE 20, AUTOSOMAL RECESSIVE EARLY-ONSET. Identifiers: Orphanet 391411, MedGen C3809824, MONDO:0014233, OMIM 615530.

Allele frequency attached by ClinVar (database versions not stated): gnomAD exomes below 0.00001; gnomAD 0.00001.
gnomAD v4.1: 2 of 1,613,938 alleles (0.00012%); highest among the groups gnomAD compares: Non-Finnish European, 0.00017%; no homozygotes.

Submissions (2):

Ambry Genetics
Classification: Uncertain significance for Inborn genetic diseases. Last evaluated: 2025-08-08. Review status: criteria provided, single submitter. Criteria: Ambry Variant Classification Scheme 2023. Collection method: clinical testing. Allele origin: germline.

Labcorp Genetics (formerly Invitae), Labcorp
Classification: Uncertain significance for Developmental and epileptic encephalopathy, 53; Early-onset Parkinson disease 20. Last evaluated: 2021-10-21. Review status: criteria provided, single submitter. Criteria: Invitae Variant Classification Sherloc (09022015). Collection method: clinical testing. Allele origin: germline.
Comment: This sequence change replaces proline, which is neutral and non-polar, with threonine, which is neutral and polar, at codon 944 of the SYNJ1 protein (p.Pro944Thr). This variant is not present in population databases (gnomAD no frequency). This variant has not been reported in the literature in individuals affected with SYNJ1-related conditions. Algorithms developed to predict the effect of missense changes on protein structure and function (SIFT, PolyPhen-2, Align-GVGD) all suggest that this variant is likely to be tolerated. In summary, the available evidence is currently insufficient to determine the role of this variant in disease. Therefore, it has been classified as a Variant of Uncertain Significance.